The following is an entry in ClinVar:

NM_003482.4(KMT2D):c.6595del (p.Tyr2199fs)

Gene: KMT2D (lysine methyltransferase 2D; minus strand). Cytogenetic location: 12q13.12.
Variant type: Deletion.
Coding change: c.6595del on transcript NM_003482.4 (MANE Select); coding-DNA position 6595, one base deleted (T; older notation c.6595delT).
Protein change: p.Tyr2199fs; shifts the reading frame from tyrosine 2199.
Molecular consequence: frameshift variant.
Genome position (GRCh38, 1-based): chr12:49,041,175, A deleted on the plus strand (T on the coding strand, the reverse complement: KMT2D is on the minus strand). VCF-style (leftmost placement, unchanged base first): chr12-49041174-TA-T. GRCh37 (hg19) VCF-style: chr12-49434957-TA-T.
Other names: c.6595delT (NM_003482.3, NM_003482.4).
Identifiers: ClinVar variation 94239 (VCV000094239.66), dbSNP rs398123753, ClinGen allele CA222100.

ClinVar aggregate classification (germline): Pathogenic. Review status: criteria provided, multiple submitters, no conflicts (2 of 4 stars). 17 submissions from 17 submitters: Pathogenic (15). 2 of the submissions do not count toward it. Last evaluated 2026-08-13.

Conditions:
Choanal atresia-athelia-hypothyroidism-delayed puberty-short stature syndrome (BCAHH). Also called: BRANCHIAL ARCH ABNORMALITIES, CHOANAL ATRESIA, ATHELIA, HEARING LOSS, AND HYPOTHYROIDISM SYNDROME. Identifiers: Orphanet 589856, MedGen C5680310, MONDO:0035651, OMIM 620186.
Kabuki syndrome 1 (KABUK1). Also called: KMT2D-Related Kabuki Syndrome. Identifiers: Orphanet 2322, MedGen CN030661, MONDO:0007843, OMIM 147920.
KMT2D-related disorder. Also called: KMT2D-Related Disorders.
Kabuki syndrome. Also called: NIIKAWA-KUROKI SYNDROME; Kabuki make-up syndrome. Identifiers: Orphanet 2322, MedGen C0796004, MONDO:0016512.

Allele frequency attached by ClinVar (database versions not stated): gnomAD exomes below 0.00001.

Submissions 1 to 12 of 17:

PreventionGenetics, part of Exact Sciences
Classification: Pathogenic for KMT2D-related condition. Last evaluated: 2026-08-13. Review status: criteria provided, single submitter. Criteria: ACMG Guidelines, 2015. Collection method: clinical testing. Allele origin: germline.
Comment: The KMT2D c.6595delT variant is predicted to result in a frameshift and premature protein termination (p.Tyr2199Ilefs*65). This variant has been reported in multiple unrelated individuals with Kabuki Syndrome and has been reported as a de novo event (see for example - Van Laarhoven et al. 2015. PubMed ID: 25972376; Bögershausen et al. 2016. PubMed ID: 27302555). This variant has not been reported in a large population database (gnomAD), indicating this variant is rare. Loss-of-function variants in KMT2D are expected to be pathogenic. This variant is interpreted as pathogenic.

Labcorp Genetics (formerly Invitae), Labcorp
Classification: Pathogenic for Kabuki syndrome. Last evaluated: 2026-01-22. Review status: criteria provided, single submitter. Criteria: Invitae Variant Classification Sherloc (09022015). Collection method: clinical testing. Allele origin: germline.
Comment: This sequence change creates a premature translational stop signal (p.Tyr2199Ilefs*65) in the KMT2D gene. It is expected to result in an absent or disrupted protein product. Loss-of-function variants in KMT2D are known to be pathogenic (PMID: 22126750). This variant is not present in population databases (gnomAD no frequency). This premature translational stop signal has been observed in individual(s) with clinical diagnosis or suspicion of Kabuki syndrome (PMID: 20711175, 21607748, 22126750, 23320472, 25755104, 25972376, 27302555, 27620904, 28256057, 28884922, 29255178). In at least one individual the variant was observed to be de novo. ClinVar contains an entry for this variant (Variation ID: 94239). For these reasons, this variant has been classified as Pathogenic.

Victorian Clinical Genetics Services, Murdoch Childrens Research Institute
Classification: Pathogenic for Kabuki syndrome 1. Last evaluated: 2025-12-23. Review status: criteria provided, single submitter. Criteria: ACMG Guidelines, 2015. Collection method: clinical testing. Allele origin: germline. Affected: yes.
Comment: This variant is classified as Pathogenic. Evidence in support of pathogenic classification: Variant is predicted to cause nonsense-mediated decay (NMD) and loss of protein (premature termination codon is located at least 54 nucleotides upstream of the final exon-exon junction); Variant is present in gnomAD <0.001 for a dominant condition (v4: 1 heterozygote(s), 0 homozygote(s)). - This variant has strong previous evidence of pathogenicity in unrelated individuals. This variant has been classified as pathogenic by multiple clinical laboratories in ClinVar; Other NMD-predicted variant(s) comparable to the one identified in this case have very strong previous evidence for pathogenicity (DECIPHER). Additional information: This variant is heterozygous; This gene is associated with autosomal dominant disease; Loss of function is a known mechanism of disease in this gene and is associated with Kabuki syndrome 1 (MIM#147920) and branchial arch abnormalities, choanal atresia, athelia, hearing loss, and hypothyroidism syndrome (MIM#620186); Variants in this gene associated with Kabuki syndrome 1 (MIM#147920) are known to have variable expressivity (PMIDs: 21882399). Additionally, missense variants in exons 38-39 are associated with a phenotype distinct from Kabuki syndrome (PMIDs: 31949313, 35060672).

Variantyx, Inc.
Classification: Pathogenic for Kabuki syndrome 1. Last evaluated: 2025-07-23. Review status: criteria provided, single submitter. Criteria: Variantyx Assertion Criteria 2022. Collection method: clinical testing. Allele origin: de novo. Inheritance: Autosomal dominant inheritance. Affected: yes.
Comment: This is a frameshift variant in the KMT2D gene (OMIM: 602113). Pathogenic variants in this gene have been associated with autosomal dominant Kabuki syndrome 1. This variant likely occurred de novo in individuals reported in the published literature; however, the possibility of parental germline mosaicism cannot be excluded (PMID: 29255178, 20711175) (PS2). It introduces a premature termination codon in exon 32 out of 55 and is expected to result in loss of function, which is a known disease mechanism for KMT2D in this disorder (PMID: 20711175, 21671394, 21607748) (PVS1). This variant has a 0.0001% maximum allele frequency in non-founder control populations (PM2). Based on the current evidence, this variant is classified as pathogenic for autosomal dominant Kabuki syndrome 1.

Blueprint Genetics
Classification: Pathogenic for KMT2D-related disorders. Last evaluated: 2024-08-08. Review status: criteria provided, single submitter. Criteria: ACMG Guidelines, 2015. Collection method: clinical testing. Allele origin: germline. Affected: yes. Observed: 1 variant allele.

New York Genome Center
Classification: Pathogenic for Kabuki syndrome 1. Last evaluated: 2024-01-17. Review status: criteria provided, single submitter. Criteria: NYGC Assertion Criteria 2020. Collection method: clinical testing. Allele origin: de novo. Affected: yes. Observed: 1 variant allele, 1 heterozygote.
Comment: The c.6595del variant in KMT2D has previously been reported in individuals with Kabuki syndrome [PMID: 34232366, 25972376, 3551836, 36478645] and it has been deposited in ClinVar as Pathogenic by multiple submitters with affected status provided [ClinVar ID:94239]. The c.6595del variant is observed in 1 allele with 0 homozygote in population databases (GnomAD v.4.0.0, TOPMed Freeze 10, All of Us), suggesting it is not a common benign variant in the populations represented in those databases. The c.6595del variant in KMT2D is located in exon 31 of this 54-exon gene, is predicted to incorporate a premature termination codon (p.(Tyr2199IlefsTer65)), and is expected to result in loss-of-function via nonsense mediated decay. Multiple loss-of-function variants downstream to the c.6595del variant have been reported in the literature in individuals with Kabuki syndrome 1 [PMID: 21658225, 32596782]. Based on available evidence, this heterozygous apparently de novo c.6595del p.(Tyr2199IlefsTer65) variant identified in KMT2D is classified as Pathogenic.

Women's Health and Genetics/Laboratory Corporation of America, LabCorp
Classification: Pathogenic for Kabuki syndrome 1. Last evaluated: 2023-06-27. Review status: criteria provided, single submitter. Criteria: LabCorp Variant Classification Summary - May 2015. Collection method: clinical testing. Allele origin: germline.
Comment: Variant summary: MLL2 c.6595delT (p.Tyr2199IlefsX65) results in a premature termination codon, predicted to cause a truncation of the encoded protein or absence of the protein due to nonsense mediated decay, which are commonly known mechanisms for disease. The variant was absent in 151426 control chromosomes (gnomAD). c.6595delT has been reported in the literature in individuals affected with Kabuki Syndrome (e.g., DiCandia_2022). These data suggest the variant is likely to be associated with disease. The following publication was ascertained in the context of this evaluation (PMID: 34232366). Seven submitters have reported clinical-significance assessments for this variant to ClinVar after 2014. All submitters classified the variant as pathogenic (n = 6) or likely pathogenic (n = 1). Based on the evidence outlined above, the variant was classified as pathogenic.

Genetics and Molecular Pathology, SA Pathology
Classification: Pathogenic for Kabuki syndrome 1. Last evaluated: 2022-09-20. Review status: criteria provided, single submitter. Criteria: ACMG Guidelines, 2015. Collection method: clinical testing. Allele origin: germline. Affected: yes.

CeGaT Center for Human Genetics Tuebingen
Classification: Pathogenic. Last evaluated: 2022-03-01. Review status: criteria provided, single submitter. Criteria: CeGaT Center For Human Genetics Tuebingen Variant Classification Criteria Version 2. Collection method: clinical testing. Allele origin: germline. Affected: yes. Observed: 1 variant allele.
Comment: KMT2D: PVS1, PS2, PM2

GeneDx
Classification: Pathogenic. Last evaluated: 2022-01-10. Review status: criteria provided, single submitter. Criteria: GeneDx Variant Classification Process June 2021. Collection method: clinical testing. Allele origin: germline. Affected: yes.
Comment: Frameshift variant predicted to result in protein truncation or nonsense mediated decay in a gene for which loss-of-function is a known mechanism of disease; Not observed in large population cohorts (gnomAD); This variant is associated with the following publications: (PMID: 27302555, 20711175, 28256057, 25972376, 29255178, 31727177, 31633846, 34232366)

Center for Human Genetics, Inc
Classification: Pathogenic for Kabuki syndrome 1. Last evaluated: 2016-11-01. Review status: criteria provided, single submitter. Criteria: ACMG Guidelines, 2015. Collection method: clinical testing. Allele origin: germline. Affected: yes.

Eurofins Ntd Llc (ga)
Classification: Pathogenic. Last evaluated: 2016-01-04. Review status: criteria provided, single submitter. Criteria: EGL Classification Definitions. Collection method: clinical testing. Allele origin: germline. Observed: 2 variant alleles, 2 heterozygotes.